The following is an entry in ClinVar:

ClinVar aggregate classification (germline): Likely pathogenic (1 of 4 stars; one submission).

Conditions:
Autosomal recessive Alport syndrome (ATS2). Also called: Alport syndrome type 2; COL4A4 Alport Syndrome and Thin Basement Membrane Nephropathy; ALPORT SYNDROME 2, AUTOSOMAL RECESSIVE; COL4A3-Related Nephropathy. Identifiers: Orphanet 63, Orphanet 88919, MedGen C4746745, MONDO:0008762, OMIM 203780.

Submission:

Myriad Genetics, Inc.
Classification: Likely pathogenic for Autosomal recessive Alport syndrome. Last evaluated: 2022-03-31. Review status: criteria provided, single submitter. Criteria: Myriad Women's Health Autosomal Recessive and X-Linked Classification Criteria (2021). Collection method: clinical testing. Allele origin: unknown.
Comment: NM_000092.4(COL4A4):c.186dupG(S63Vfs*47) is expected to be pathogenic in the context of COL4A4-related Alport syndrome. This variant is predicted to lead to an abnormal or absent protein product due to the creation of a premature termination codon in COL4A4, a gene where loss-of-function variants are known to be pathogenic. Please note: this variant was assessed in the context of healthy population screening.

NM_000092.5(COL4A4):c.186dup (p.Ser63fs)

Gene: COL4A4 (collagen type IV alpha 4 chain; minus strand). Cytogenetic location: 2q36.3.
Variant type: Duplication.
Coding change: c.186dup on transcript NM_000092.5 (MANE Select); coding-DNA position 186, one base duplicated (G; older notation c.186dupG).
Protein change: p.Ser63fs; shifts the reading frame from serine 63.
Molecular consequence: frameshift variant.
Genome position (GRCh38, 1-based): chr2:227,140,167, C duplicated on the plus strand (G on the coding strand, the reverse complement: COL4A4 is on the minus strand); the first of 4 consecutive C bases (chr2:227,140,167-227,140,170); duplicating any one gives the same sequence. VCF-style (leftmost placement, unchanged base first): chr2-227140166-A-AC. GRCh37 (hg19) VCF-style: chr2-228004882-A-AC.
Other names: short protein forms S63fs.
Identifiers: ClinVar variation 1725754 (VCV001725754.2), dbSNP rs2125291573, ClinGen allele CA2580065852.